The following is an entry in ClinVar:

ClinVar aggregate classification (germline): Uncertain significance (1 of 4 stars; one submission).

Allele frequency attached by ClinVar (database versions not stated): gnomAD 0.00001; ExAC 0.00002; 1000 Genomes Project 0.00020; 1000 Genomes Project 30x 0.00031.

Submission:

Labcorp Genetics (formerly Invitae), Labcorp
Classification: Uncertain significance. Last evaluated: 2022-09-07. Review status: criteria provided, single submitter. Criteria: Invitae Variant Classification Sherloc (09022015). Collection method: clinical testing. Allele origin: germline.
Comment: In summary, the available evidence is currently insufficient to determine the role of this variant in disease. Therefore, it has been classified as a Variant of Uncertain Significance. Variants that disrupt the consensus splice site are a relatively common cause of aberrant splicing (PMID: 17576681, 9536098). Algorithms developed to predict the effect of sequence changes on RNA splicing suggest that this variant may disrupt the consensus splice site. Algorithms developed to predict the effect of missense changes on protein structure and function are either unavailable or do not agree on the potential impact of this missense change (SIFT: "Tolerated"; PolyPhen-2: "Possibly Damaging"; Align-GVGD: "Class C0"). This variant has not been reported in the literature in individuals affected with TBCK-related conditions. The frequency data for this variant in the population databases is considered unreliable, as metrics indicate poor data quality at this position in the gnomAD database. This sequence change replaces lysine, which is basic and polar, with asparagine, which is neutral and polar, at codon 240 of the TBCK protein (p.Lys240Asn). This variant also falls at the last nucleotide of exon 8, which is part of the consensus splice site for this exon.

Literature cited by the submitters: PubMed 17576681; PubMed 9536098.

NM_001163435.3(TBCK):c.720G>T (p.Lys240Asn)

Gene: TBCK (TBC1 domain containing kinase; minus strand). Cytogenetic location: 4q24.
Variant type: single nucleotide variant.
Coding change: c.720G>T on transcript NM_001163435.3 (MANE Select); coding-DNA position 720, G replaced by T.
Protein change: p.Lys240Asn; replaces lysine 240 with asparagine.
Molecular consequence: missense variant.
Genome position (GRCh38, 1-based): chr4:106,248,921, C>A on the plus strand (G>T on the coding strand, the complement: TBCK is on the minus strand). VCF-style: chr4-106248921-C-A. GRCh37 (hg19) VCF-style: chr4-107170078-C-A.
Other names: c.720G>T, p.Lys240Asn (NM_001163436.4); c.603G>T, p.Lys201Asn (NM_001163437.3); c.204G>T, p.Lys68Asn (NM_001290768.2); c.531G>T, p.Lys177Asn (NM_033115.5); short protein forms K68N, K240N, K177N, K201N.
Identifiers: ClinVar variation 2093860 (VCV002093860.4), dbSNP rs575805235, ClinGen allele CA3035333.